The following is an entry in ClinVar:

NM_001371986.1(UNC80):c.7229G>C (p.Ser2410Thr)

Gene: UNC80 (unc-80 subunit of NALCN channel complex; plus strand). Cytogenetic location: 2q34.
Variant type: single nucleotide variant.
Coding change: c.7229G>C on transcript NM_001371986.1 (MANE Select); coding-DNA position 7229, G replaced by C.
Protein change: p.Ser2410Thr; replaces serine 2410 with threonine.
Molecular consequence: missense variant.
Genome position (GRCh38, 1-based): chr2:209,945,886, G>C. VCF-style: chr2-209945886-G-C. GRCh37 (hg19) VCF-style: chr2-210810610-G-C.
Other names: c.7031G>C, p.Ser2344Thr (NM_032504.2); c.7016G>C, p.Ser2339Thr (NM_182587.4); short protein forms S2339T, S2410T, S2344T.
Identifiers: ClinVar variation 1995470 (VCV001995470.4), dbSNP rs1464696964, ClinGen allele CA350774270.

ClinVar aggregate classification (germline): Uncertain significance (1 of 4 stars; one submission).

Submission:

Labcorp Genetics (formerly Invitae), Labcorp
Classification: Uncertain significance. Last evaluated: 2022-05-20. Review status: criteria provided, single submitter. Criteria: Invitae Variant Classification Sherloc (09022015). Collection method: clinical testing. Allele origin: germline.
Comment: In summary, the available evidence is currently insufficient to determine the role of this variant in disease. Therefore, it has been classified as a Variant of Uncertain Significance. Algorithms developed to predict the effect of missense changes on protein structure and function are either unavailable or do not agree on the potential impact of this missense change (SIFT: "Not Available"; PolyPhen-2: "Probably Damaging"; Align-GVGD: "Not Available"). This variant has not been reported in the literature in individuals affected with UNC80-related conditions. This variant is not present in population databases (gnomAD no frequency). This sequence change replaces serine, which is neutral and polar, with threonine, which is neutral and polar, at codon 2344 of the UNC80 protein (p.Ser2344Thr).